The following is an entry in ClinVar:

ClinVar aggregate classification (germline): Uncertain significance (1 of 4 stars; one submission).

Conditions:
Cardiovascular phenotype. Identifiers: MedGen CN230736.

Submission:

Ambry Genetics
Classification: Uncertain significance for Cardiovascular phenotype. Last evaluated: 2026-08-29. Review status: criteria provided, single submitter. Criteria: Ambry Variant Classification Scheme 2023. Collection method: clinical testing. Allele origin: germline.
Comment: The p.D544Y variant (also known as c.1630G>T), located in coding exon 19 of the CACNA2D1 gene, results from a G to T substitution at nucleotide position 1630. The aspartic acid at codon 544 is replaced by tyrosine, an amino acid with highly dissimilar properties. This amino acid position is conserved. In addition, this alteration is predicted to be deleterious by in silico analysis. Based on the available evidence, the clinical significance of this variant remains unclear.

NM_000722.4(CACNA2D1):c.1630G>T (p.Asp544Tyr)

Gene: CACNA2D1 (calcium voltage-gated channel auxiliary subunit alpha2delta 1; minus strand). Cytogenetic location: 7q21.11.
Variant type: single nucleotide variant.
Coding change: c.1630G>T on transcript NM_000722.4 (MANE Select); coding-DNA position 1630, G replaced by T.
Protein change: p.Asp544Tyr; replaces aspartic acid 544 with tyrosine.
Molecular consequence: missense variant.
Genome position (GRCh38, 1-based): chr7:81,997,211, C>A on the plus strand (G>T on the coding strand, the complement: CACNA2D1 is on the minus strand). VCF-style: chr7-81997211-C-A. GRCh37 (hg19) VCF-style: chr7-81626527-C-A.
Other names: c.1687G>T, p.Asp563Tyr (NM_001366867.1); short protein forms D563Y, D544Y.
Identifiers: ClinVar variation 5033643 (VCV005033643.1).